The following is an entry in ClinVar:

ClinVar aggregate classification (germline): Uncertain significance (1 of 4 stars; one submission).

Conditions:
Duchenne muscular dystrophy (DMD). Also called: Duchenne Muscular Dystrophy (DMD); MUSCULAR DYSTROPHY, PSEUDOHYPERTROPHIC PROGRESSIVE, DUCHENNE TYPE. Identifiers: Orphanet 98896, MedGen C0013264, MONDO:0010679, OMIM 310200.

Submission:

Labcorp Genetics (formerly Invitae), Labcorp
Classification: Uncertain significance for Duchenne muscular dystrophy. Last evaluated: 2024-04-15. Review status: criteria provided, single submitter. Criteria: Invitae Variant Classification Sherloc (09022015). Collection method: clinical testing. Allele origin: germline.
Comment: This sequence change falls in intron 13 of the DMD gene. It does not directly change the encoded amino acid sequence of the DMD protein. It affects a nucleotide within the consensus splice site. This variant is not present in population databases (gnomAD no frequency). This variant has not been reported in the literature in individuals affected with DMD-related conditions. ClinVar contains an entry for this variant (Variation ID: 1467801). Variants that disrupt the consensus splice site are a relatively common cause of aberrant splicing (PMID: 17576681, 9536098). Algorithms developed to predict the effect of sequence changes on RNA splicing suggest that this variant is not likely to affect RNA splicing. In summary, the available evidence is currently insufficient to determine the role of this variant in disease. Therefore, it has been classified as a Variant of Uncertain Significance.

Literature cited by the submitters: PubMed 17576681; PubMed 9536098.

NM_004006.3(DMD):c.1602+5G>T

Gene: DMD (dystrophin; minus strand). Cytogenetic location: Xp21.1.
Variant type: single nucleotide variant.
Coding change: c.1602+5G>T on transcript NM_004006.3 (MANE Select); 5 bases into the intron after coding-DNA position 1602, G replaced by T.
Molecular consequence: intron variant.
Genome position (GRCh38, 1-based): chrX:32,595,752, C>A on the plus strand (G>T on the coding strand, the complement: DMD is on the minus strand). VCF-style: chrX-32595752-C-A. GRCh37 (hg19) VCF-style: chrX-32613869-C-A.
Other names: c.1578+5G>T (NM_000109.4); c.1590+5G>T (NM_004009.3); c.1233+5G>T (NM_004010.3).
Identifiers: ClinVar variation 1467801 (VCV001467801.5), dbSNP rs2149264352, ClinGen allele CA2573158835.